The following is an entry in ClinVar:

ClinVar aggregate classification (germline): Uncertain significance. Review status: criteria provided, multiple submitters, no conflicts (2 of 4 stars). 2 submissions from 2 submitters: Uncertain significance (2). Last evaluated 2025-02-19.

Conditions:
Inborn genetic diseases. Identifiers: MedGen C0950123, MeSH D030342.
Neuromuscular disease caused by qualitative or quantitative defects of dysferlin. Also called: Qualitative or quantitative defects of dysferlin; Dysferlinopathy. Identifiers: Orphanet 207073, MedGen C2931687, MONDO:0016145.

Allele frequency attached by ClinVar (database versions not stated): gnomAD exomes below 0.00001 and 0.00001; ExAC 0.00001; TOPMed 0.00001.
gnomAD v4.1: 10 of 1,614,132 alleles (0.00062%); highest among the groups gnomAD compares: South Asian, 0.0022%; no homozygotes.

Submissions (2):

Ambry Genetics
Classification: Uncertain significance for Inborn genetic diseases. Last evaluated: 2025-02-19. Review status: criteria provided, single submitter. Criteria: Ambry Variant Classification Scheme 2023. Collection method: clinical testing. Allele origin: germline.

Labcorp Genetics (formerly Invitae), Labcorp
Classification: Uncertain significance for Neuromuscular disease caused by qualitative or quantitative defects of dysferlin. Last evaluated: 2021-08-28. Review status: criteria provided, single submitter. Criteria: Invitae Variant Classification Sherloc (09022015). Collection method: clinical testing. Allele origin: germline.
Comment: This sequence change replaces glutamic acid with lysine at codon 1207 of the DYSF protein (p.Glu1207Lys). The glutamic acid residue is moderately conserved and there is a small physicochemical difference between glutamic acid and lysine. This variant is present in population databases (rs773703042, ExAC 0.006%). This variant has not been reported in the literature in individuals affected with DYSF-related conditions. Algorithms developed to predict the effect of missense changes on protein structure and function are either unavailable or do not agree on the potential impact of this missense change (SIFT: "Tolerated"; PolyPhen-2: "Probably Damaging"; Align-GVGD: "Class C0"). In summary, the available evidence is currently insufficient to determine the role of this variant in disease. Therefore, it has been classified as a Variant of Uncertain Significance.

NM_001130987.2(DYSF):c.3673G>A (p.Glu1225Lys)

Gene: DYSF (dysferlin; plus strand). Cytogenetic location: 2p13.2.
Variant type: single nucleotide variant.
Coding change: c.3673G>A on transcript NM_001130987.2 (MANE Select); coding-DNA position 3673, G replaced by A.
Protein change: p.Glu1225Lys; replaces glutamic acid 1225 with lysine.
Molecular consequence: missense variant.
Genome position (GRCh38, 1-based): chr2:71,598,662, G>A. VCF-style: chr2-71598662-G-A. GRCh37 (hg19) VCF-style: chr2-71825792-G-A.
Other names: c.3622G>A, p.Glu1208Lys (NM_001130455.2, NM_001130983.2); c.3577G>A, p.Glu1193Lys (NM_001130976.2, NM_001130977.2); c.3619G>A, p.Glu1207Lys (NM_001130978.2, NM_003494.4); c.3712G>A, p.Glu1238Lys (NM_001130979.2); c.3670G>A, p.Glu1224Lys (NM_001130980.2, NM_001130981.2); c.3715G>A, p.Glu1239Lys (NM_001130982.2); c.3580G>A, p.Glu1194Lys (NM_001130984.2, NM_001130986.2); c.3673G>A, p.Glu1225Lys (NM_001130985.2); short protein forms E1224K, E1193K, E1238K, E1194K, E1207K, E1239K, E1208K, E1225K.
Identifiers: ClinVar variation 640259 (VCV000640259.7), dbSNP rs773703042, ClinGen allele CA1706661.